The following is an entry in ClinVar:

ClinVar aggregate classification (germline): Uncertain significance (1 of 4 stars; one submission).

Conditions:
Charcot-Marie-Tooth disease type 4. Also called: Charcot-Marie-Tooth disease, type IV; Charcot-Marie-Tooth, Type 4. Identifiers: Orphanet 64749, MedGen C4082197, MONDO:0018995.

gnomAD v4.1: 15 of 1,614,134 alleles (0.00093%); highest among the groups gnomAD compares: Non-Finnish European, 0.0013%; no homozygotes.

Submission:

Labcorp Genetics (formerly Invitae), Labcorp
Classification: Uncertain significance for Charcot-Marie-Tooth disease type 4. Last evaluated: 2021-05-31. Review status: criteria provided, single submitter. Criteria: Invitae Variant Classification Sherloc (09022015). Collection method: clinical testing. Allele origin: germline.
Comment: Algorithms developed to predict the effect of missense changes on protein structure and function are either unavailable or do not agree on the potential impact of this missense change (SIFT: "Deleterious"; PolyPhen-2: "Possibly Damaging"; Align-GVGD: "Class C0"). In summary, the available evidence is currently insufficient to determine the role of this variant in disease. Therefore, it has been classified as a Variant of Uncertain Significance. This variant has not been reported in the literature in individuals with PRX-related conditions. This variant is not present in population databases (ExAC no frequency). This sequence change replaces proline with alanine at codon 1064 of the PRX protein (p.Pro1064Ala). The proline residue is highly conserved and there is a small physicochemical difference between proline and alanine.

NM_181882.3(PRX):c.3190C>G (p.Pro1064Ala)

Gene: PRX (periaxin; minus strand). Cytogenetic location: 19q13.2.
Variant type: single nucleotide variant.
Coding change: c.3190C>G on transcript NM_181882.3 (MANE Select); coding-DNA position 3190, C replaced by G.
Protein change: p.Pro1064Ala; replaces proline 1064 with alanine.
Molecular consequence: missense variant. On other transcripts: 3 prime UTR variant (1).
Genome position (GRCh38, 1-based): chr19:40,395,162, G>C on the plus strand (C>G on the coding strand, the complement: PRX is on the minus strand). VCF-style: chr19-40395162-G-C. GRCh37 (hg19) VCF-style: chr19-40901069-G-C.
Other names: c.*3395C>G (NM_020956.2); short protein forms P1064A.
Identifiers: ClinVar variation 1426069 (VCV001426069.8), dbSNP rs937051533, ClinGen allele CA308417326.
Genomic context (GRCh38, chr19:40,395,162, plus strand): 5'-CCGGGCTGGCACGATCACCTTGAACTTCTGCTTCCTTCCCTCGAGCCAGCCCAAAGGAAG[G>C]CATCTTCAGCTTGGGCATCTTCACCCTCCCATCCCAGCCCCAGCCCTTGCCCTCCAACTC-3'
Protein context (NP_870998.2, residues 1054-1074): GRVKMPKLKM[Pro1064Ala]SFGLARGKEA